The following is an entry in ClinVar:

ClinVar aggregate classification (germline): Conflicting classifications of pathogenicity. Review status: criteria provided, conflicting classifications (1 of 4 stars). 3 submissions from 3 submitters: Uncertain significance (1); Likely benign (2). Last evaluated 2025-02-14.

Conditions:
EYA1-related disorder. Also called: EYA1-related condition.
Melnick-Fraser syndrome (BOR). Also called: Branchiootorenal syndrome; Branchiootorenal Syndrome (BORS); Branchio-oto-renal syndrome. Identifiers: Orphanet 107, MedGen C0265234, MONDO:0007029.

Allele frequency attached by ClinVar (database versions not stated): TOPMed below 0.00001; ExAC 0.00001; gnomAD 0.00001; gnomAD exomes 0.00001 and 0.00003.
gnomAD v4.1: 48 of 1,613,570 alleles (0.003%); highest among the groups gnomAD compares: Non-Finnish European, 0.0036%; no homozygotes.

Submissions (3):

PreventionGenetics, part of Exact Sciences
Classification: Likely benign for EYA1-related condition. Last evaluated: 2025-02-14. Review status: criteria provided, single submitter. Criteria: ACMG Guidelines, 2015. Collection method: clinical testing. Allele origin: germline.
Comment: This variant is classified as likely benign based on ACMG/AMP sequence variant interpretation guidelines (Richards et al. 2015 PMID: 25741868, with internal and published modifications).

Labcorp Genetics (formerly Invitae), Labcorp
Classification: Likely benign for Melnick-Fraser syndrome. Last evaluated: 2024-02-17. Review status: criteria provided, single submitter. Criteria: Invitae Variant Classification Sherloc (09022015). Collection method: clinical testing. Allele origin: germline.

CeGaT Center for Human Genetics Tuebingen
Classification: Uncertain significance. Last evaluated: 2021-01-01. Review status: criteria provided, single submitter. Criteria: CeGaT Center For Human Genetics Tuebingen Variant Classification Criteria Version 2. Collection method: clinical testing. Allele origin: germline. Affected: yes. Observed: 1 variant allele.

NM_000503.6(EYA1):c.640-4G>C

Gene: EYA1 (EYA transcriptional coactivator and phosphatase 1; minus strand). Cytogenetic location: 8q13.3.
Variant type: single nucleotide variant.
Coding change: c.640-4G>C on transcript NM_000503.6 (MANE Select); 4 bases into the intron before coding-DNA position 640, G replaced by C.
Molecular consequence: intron variant.
Genome position (GRCh38, 1-based): chr8:71,299,237, C>G on the plus strand (G>C on the coding strand, the complement: EYA1 is on the minus strand). VCF-style: chr8-71299237-C-G. GRCh37 (hg19) VCF-style: chr8-72211472-C-G.
Other names: c.640-4G>C (NM_172058.3, NM_172058.4, NM_001370335.1 and 1 more transcripts); c.709-4G>C (NM_001370336.1); c.727-4G>C (NM_001370333.1); c.712-4G>C (NM_172059.5); c.274-4G>C (NM_001288575.2); c.622-4G>C (NM_001288574.2).
Identifiers: ClinVar variation 1013581 (VCV001013581.41), dbSNP rs757754363, ClinGen allele CA4779694.